The following is an entry in ClinVar:

ClinVar aggregate classification (germline): Conflicting classifications of pathogenicity. Review status: criteria provided, conflicting classifications (1 of 4 stars). 2 submissions from 2 submitters: Uncertain significance (1); Likely benign (1). Last evaluated 2026-02-17.

Conditions:
Inborn genetic diseases. Identifiers: MedGen C0950123, MeSH D030342.

Allele frequency attached by ClinVar (database versions not stated): gnomAD exomes below 0.00001.
gnomAD v4.1: 6 of 1,583,500 alleles (0.00038%); highest among the groups gnomAD compares: Admixed American, 0.0018%; no homozygotes.

Submissions (2):

Ambry Genetics
Classification: Uncertain significance for Inborn genetic diseases. Last evaluated: 2026-02-17. Review status: criteria provided, single submitter. Criteria: Ambry Variant Classification Scheme 2023. Collection method: clinical testing. Allele origin: germline.
Comment: The c.1005C>A (p.D335E) alteration is located in exon 6 (coding exon 1) of the AHDC1 gene. This alteration results from a C to A substitution at nucleotide position 1005, causing the aspartic acid (D) at amino acid position 335 to be replaced by a glutamic acid (E). Based on data from gnomAD, the A allele has an overall frequency of <0.001% (1/201368) total alleles studied. The highest observed frequency was 0.004% (1/28928) of Latino alleles. Based on insufficient or conflicting evidence, the clinical significance of this alteration remains unclear.

Labcorp Genetics (formerly Invitae), Labcorp
Classification: Likely benign. Last evaluated: 2025-03-31. Review status: criteria provided, single submitter. Criteria: Invitae Variant Classification Sherloc (09022015). Collection method: clinical testing. Allele origin: germline.

NM_001371928.1(AHDC1):c.1005C>A (p.Asp335Glu)

Gene: AHDC1 (AT-hook DNA binding motif containing 1; minus strand). Cytogenetic location: 1p36.11.
Variant type: single nucleotide variant.
Coding change: c.1005C>A on transcript NM_001371928.1 (MANE Select); coding-DNA position 1005, C replaced by A.
Protein change: p.Asp335Glu; replaces aspartic acid 335 with glutamic acid.
Molecular consequence: missense variant.
Genome position (GRCh38, 1-based): chr1:27,551,111, G>T on the plus strand (C>A on the coding strand, the complement: AHDC1 is on the minus strand). VCF-style: chr1-27551111-G-T. GRCh37 (hg19) VCF-style: chr1-27877622-G-T.
Other names: c.1005C>A, p.Asp335Glu (NM_001029882.3); c.1005C>A (NM_001029882.2); short protein forms D335E.
Identifiers: ClinVar variation 1506761 (VCV001506761.7), dbSNP rs1274332811, ClinGen allele CA339235562.